The following is an entry in ClinVar:

ClinVar aggregate classification (germline): Uncertain significance. Review status: criteria provided, multiple submitters, no conflicts (2 of 4 stars). 2 submissions from 2 submitters: Uncertain significance (2). Last evaluated 2023-12-04.

Conditions:
Hereditary cancer-predisposing syndrome. Also called: Tumor predisposition; Neoplastic Syndromes, Hereditary; Hereditary neoplastic syndrome; Hereditary Cancer Syndrome. Identifiers: Orphanet 140162, MedGen C0027672, MeSH D009386, MONDO:0015356.
Familial cancer of breast. Also called: hereditary breast carcinoma; BREAST CANCER, FAMILIAL; Hereditary breast cancer. Identifiers: Orphanet 227535, MedGen C0346153, MONDO:0016419, OMIM 114480. Disease mechanism: loss of function.

Submissions (2):

Color Diagnostics, LLC DBA Color Health
Classification: Uncertain significance for Hereditary cancer-predisposing syndrome. Last evaluated: 2023-12-04. Review status: criteria provided, single submitter. Criteria: ACMG Guidelines, 2015. Collection method: clinical testing. Allele origin: germline.
Comment: This missense variant replaces proline with alanine at codon 12 of the BARD1 protein. Computational prediction suggests that this variant may not impact protein structure and function (internally defined REVEL score threshold <= 0.5, PMID: 27666373). To our knowledge, functional studies have not been reported for this variant. This variant has not been reported in individuals affected with BARD1-related disorders in the literature. This variant has not been identified in the general population by the Genome Aggregation Database (gnomAD). The available evidence is insufficient to determine the role of this variant in disease conclusively. Therefore, this variant is classified as a Variant of Uncertain Significance.

Labcorp Genetics (formerly Invitae), Labcorp
Classification: Uncertain significance for Familial cancer of breast. Last evaluated: 2022-09-22. Review status: criteria provided, single submitter. Criteria: Invitae Variant Classification Sherloc (09022015). Collection method: clinical testing. Allele origin: germline.
Comment: This sequence change replaces proline, which is neutral and non-polar, with alanine, which is neutral and non-polar, at codon 12 of the BARD1 protein (p.Pro12Ala). In summary, the available evidence is currently insufficient to determine the role of this variant in disease. Therefore, it has been classified as a Variant of Uncertain Significance. Algorithms developed to predict the effect of missense changes on protein structure and function are either unavailable or do not agree on the potential impact of this missense change (SIFT: "Tolerated"; PolyPhen-2: "Possibly Damaging"; Align-GVGD: "Class C0"). ClinVar contains an entry for this variant (Variation ID: 630537). This variant has not been reported in the literature in individuals affected with BARD1-related conditions. This variant is not present in population databases (gnomAD no frequency).

NM_000465.4(BARD1):c.34C>G (p.Pro12Ala)

Gene: BARD1 (BRCA1 associated RING domain 1; minus strand). Cytogenetic location: 2q35.
Variant type: single nucleotide variant.
Coding change: c.34C>G on transcript NM_000465.4 (MANE Select); coding-DNA position 34, C replaced by G.
Protein change: p.Pro12Ala; replaces proline 12 with alanine.
Molecular consequence: missense variant. On other transcripts: non-coding transcript variant (3).
Genome position (GRCh38, 1-based): chr2:214,809,536, G>C on the plus strand (C>G on the coding strand, the complement: BARD1 is on the minus strand). VCF-style: chr2-214809536-G-C. GRCh37 (hg19) VCF-style: chr2-215674260-G-C.
Other names: c.34C>G, p.Pro12Ala (NM_001282543.2, NM_001282545.2, NM_001282548.2 and 1 more transcripts); short protein forms P12A.
Identifiers: ClinVar variation 630537 (VCV000630537.14), dbSNP rs1182316664, ClinGen allele CA350465363.
Genomic context (GRCh38, chr2:214,809,536, plus strand): 5'-CGCGACCATCCGGTTCCATGGCGGGCGCGGAACGAGGCTCGTTCCCGGAGCGGATCCTCG[G>C]CTGCCGGTTCCTCGGCTGCCGATTATCCGGCATCGTCCCGCCTTCGGATGAAAGGCTCCT-3'
Protein context (NP_000456.2, residues 2-22): PDNRQPRNRQ[Pro12Ala]RIRSGNEPRS